The following is an entry in ClinVar:

ClinVar aggregate classification (germline): Pathogenic (1 of 4 stars; one submission).

Conditions:
Short-rib thoracic dysplasia 14 with polydactyly (SRTD14). Identifiers: Orphanet 397715, MedGen C4225286, MONDO:0014688, OMIM 616546.
Joubert syndrome 23 (JBTS23). Identifiers: Orphanet 475, MedGen C4084822, MONDO:0014664, OMIM 616490.

Submission:

Labcorp Genetics (formerly Invitae), Labcorp
Classification: Pathogenic for Joubert syndrome 23; Short-rib thoracic dysplasia 14 with polydactyly. Last evaluated: 2020-11-20. Review status: criteria provided, single submitter. Criteria: Invitae Variant Classification Sherloc (09022015). Collection method: clinical testing. Allele origin: germline.
Comment: For these reasons, this variant has been classified as Pathogenic. This variant has not been reported in the literature in individuals with KIAA0586-related conditions. This variant is not present in population databases (ExAC no frequency). This sequence change creates a premature translational stop signal (p.Val699Serfs*36) in the KIAA0586 gene. It is expected to result in an absent or disrupted protein product. Loss-of-function variants in KIAA0586 are known to be pathogenic (PMID: 26096313, 26166481, 26386044).

Literature cited by the submitters: PubMed 26096313; PubMed 26166481; PubMed 26386044.

NM_001329943.3(KIAA0586):c.1935del (p.Val646fs)

Gene: KIAA0586 (KIAA0586; plus strand). Cytogenetic location: 14q23.1.
Variant type: Deletion.
Coding change: c.1935del on transcript NM_001329943.3 (MANE Select); coding-DNA position 1935, one base deleted (A; older notation c.1935delA).
Protein change: p.Val646fs; shifts the reading frame from valine 646.
Molecular consequence: frameshift variant.
Genome position (GRCh38, 1-based): chr14:58,461,036, A deleted; the last of 2 consecutive A bases (chr14:58,461,035-58,461,036); deleting either gives the same sequence. VCF-style (leftmost placement, unchanged base first): chr14-58461034-CA-C. GRCh37 (hg19) VCF-style: chr14-58927752-CA-C.
Other names: c.2094del, p.Val699fs (NM_001244189.2); c.1890del, p.Val631fs (NM_001244190.2); c.1680del, p.Val561fs (NM_001244191.2, NM_001329945.2, NM_001364700.1 and 1 more transcripts); c.1803del, p.Val602fs (NM_001244192.2); c.1515del, p.Val506fs (NM_001244193.2); c.1935del, p.Val646fs (NM_001329944.2, NM_001329946.2, NM_001329947.2); c.1707del, p.Val570fs (NM_014749.5); short protein forms V506fs, V561fs, V570fs, V602fs, V631fs, V646fs, V699fs.
Identifiers: ClinVar variation 1070138 (VCV001070138.7), dbSNP rs2140886312, ClinGen allele CA2499222652.